The following is an entry in ClinVar:

NM_000057.4(BLM):c.2501A>C (p.Asn834Thr)

Gene: BLM (BLM RecQ like helicase; plus strand). Cytogenetic location: 15q26.1.
Variant type: single nucleotide variant.
Coding change: c.2501A>C on transcript NM_000057.4 (MANE Select); coding-DNA position 2501, A replaced by C.
Protein change: p.Asn834Thr; replaces asparagine 834 with threonine.
Molecular consequence: missense variant.
Genome position (GRCh38, 1-based): chr15:90,769,532, A>C. VCF-style: chr15-90769532-A-C. GRCh37 (hg19) VCF-style: chr15-91312762-A-C.
Other names: c.2501A>C, p.Asn834Thr (NM_001287246.2, NM_001287247.2); c.1376A>C, p.Asn459Thr (NM_001287248.2); short protein forms N834T, N459T.
Identifiers: ClinVar variation 957813 (VCV000957813.10), dbSNP rs1896241238, ClinGen allele CA393845452.
Genomic context (GRCh38, chr15:90,769,532, plus strand): 5'-TGAATATGCTTCGCCAGAAGTTTCCTTCTGTTCCGGTGATGGCTCTTACGGCCACAGCTA[A>C]TCCCAGGGTACAGAAGGACATCCTGACTCAGCTGAAGATTCTCAGACCTCAGGTGTAAGT-3'
Protein context (NP_000048.1, residues 824-844): VPVMALTATA[Asn834Thr]PRVQKDILTQ

ClinVar aggregate classification (germline): Uncertain significance (1 of 4 stars; one submission).

Conditions:
Bloom syndrome (BLM). Also called: Bloom-Torre-Machacek syndrome. Identifiers: Orphanet 125, MedGen C0005859, MONDO:0008876, OMIM 210900.

Submission:

Labcorp Genetics (formerly Invitae), Labcorp
Classification: Uncertain significance for Bloom syndrome. Last evaluated: 2019-08-20. Review status: criteria provided, single submitter. Criteria: Invitae Variant Classification Sherloc (09022015). Collection method: clinical testing. Allele origin: germline.
Comment: This sequence change replaces asparagine with threonine at codon 834 of the BLM protein (p.Asn834Thr). The asparagine residue is moderately conserved and there is a small physicochemical difference between asparagine and threonine. This variant is not present in population databases (ExAC no frequency). This variant has not been reported in the literature in individuals with BLM-related conditions. Algorithms developed to predict the effect of missense changes on protein structure and function are either unavailable or do not agree on the potential impact of this missense change (SIFT: "Tolerated"; PolyPhen-2: "Possibly Damaging"; Align-GVGD: "Class C0"). In summary, the available evidence is currently insufficient to determine the role of this variant in disease. Therefore, it has been classified as a Variant of Uncertain Significance.